The following is an entry in ClinVar:

ClinVar aggregate classification (germline): Uncertain significance (1 of 4 stars; one submission).

Allele frequency attached by ClinVar (database versions not stated): gnomAD exomes 0.00002 and 0.00003; TOPMed 0.00002; gnomAD 0.00003.
gnomAD v4.1: 44 of 1,603,922 alleles (0.0027%); highest among the groups gnomAD compares: Non-Finnish European, 0.0033%; no homozygotes.

Submission:

Labcorp Genetics (formerly Invitae), Labcorp
Classification: Uncertain significance. Last evaluated: 2025-12-15. Review status: criteria provided, single submitter. Criteria: Invitae Variant Classification Sherloc (09022015). Collection method: clinical testing. Allele origin: germline.
Comment: This sequence change replaces threonine, which is neutral and polar, with methionine, which is neutral and non-polar, at codon 722 of the LRRC8A protein (p.Thr722Met). The frequency data for this variant in the population databases is considered unreliable, as metrics indicate poor data quality at this position in the gnomAD database. This variant has not been reported in the literature in individuals affected with LRRC8A-related conditions. ClinVar contains an entry for this variant (Variation ID: 1520458). An algorithm developed to predict the effect of missense changes on protein structure and function (PolyPhen-2) suggests that this variant is likely to be tolerated. In summary, the available evidence is currently insufficient to determine the role of this variant in disease. Therefore, it has been classified as a Variant of Uncertain Significance.

NM_019594.4(LRRC8A):c.2165C>T (p.Thr722Met)

Gene: LRRC8A (leucine rich repeat containing 8 VRAC subunit A; plus strand). Cytogenetic location: 9q34.11.
Variant type: single nucleotide variant.
Coding change: c.2165C>T on transcript NM_019594.4 (MANE Select); coding-DNA position 2165, C replaced by T.
Protein change: p.Thr722Met; replaces threonine 722 with methionine.
Molecular consequence: missense variant.
Genome position (GRCh38, 1-based): chr9:128,916,103, C>T. VCF-style: chr9-128916103-C-T. GRCh37 (hg19) VCF-style: chr9-131678382-C-T.
Other names: c.2165C>T, p.Thr722Met (NM_001127244.2, NM_001127245.2); short protein forms T722M.
Identifiers: ClinVar variation 1520458 (VCV001520458.6), dbSNP rs868086143, ClinGen allele CA200423064.
Genomic context (GRCh38, chr9:128,916,103, plus strand): 5'-CCCCGTCCAAGCCCACACCCACCTCACTCTCACCCCTGCTTTTTTCCCTCCAGATCGAGA[C>T]GCTCCCTCCGGAGCTCTTCCAGTGCCGGAAGCTGCGGGCCCTGCACCTGGGCAACAACGT-3'
Protein context (NP_062540.2, residues 712-732): NLAITANRIE[Thr722Met]LPPELFQCRK